The following is an entry in ClinVar:

NM_003242.6(TGFBR2):c.268A>G (p.Lys90Glu)

Gene: TGFBR2 (transforming growth factor beta receptor 2; plus strand). Cytogenetic location: 3p24.1.
Variant type: single nucleotide variant.
Coding change: c.268A>G on transcript NM_003242.6 (MANE Select); coding-DNA position 268, A replaced by G.
Protein change: p.Lys90Glu; replaces lysine 90 with glutamic acid.
Molecular consequence: missense variant. On other transcripts: intron variant (2).
Genome position (GRCh38, 1-based): chr3:30,650,274, A>G. VCF-style: chr3-30650274-A-G. GRCh37 (hg19) VCF-style: chr3-30691766-A-G.
Other names: c.343A>G, p.Lys115Glu (NM_001024847.3, NM_001407126.1, NM_001407139.1); c.268A>G, p.Lys90Glu (NM_001407127.1, NM_001407130.1); c.295A>G, p.Lys99Glu (NM_001407128.1); c.163A>G, p.Lys55Glu (NM_001407132.1, NM_001407129.1, NM_001407133.1 and 3 more transcripts); c.170-21364A>G (NM_001407137.1); c.95-21364A>G (NM_001407138.1); short protein forms K55E, K99E, K115E, K90E.
Identifiers: ClinVar variation 3635611 (VCV003635611.2).

ClinVar aggregate classification (germline): Uncertain significance (1 of 4 stars; one submission).

Conditions:
Familial thoracic aortic aneurysm and aortic dissection (TAAD). Also called: Thoracic aortic aneurysms and dissections. Identifiers: Orphanet 91387, MedGen C4707243, MONDO:0019625.

Submission:

Labcorp Genetics (formerly Invitae), Labcorp
Classification: Uncertain significance for Familial thoracic aortic aneurysm and aortic dissection. Last evaluated: 2024-12-04. Review status: criteria provided, single submitter. Criteria: Invitae Variant Classification Sherloc (09022015). Collection method: clinical testing. Allele origin: germline.
Comment: This sequence change replaces lysine, which is basic and polar, with glutamic acid, which is acidic and polar, at codon 90 of the TGFBR2 protein (p.Lys90Glu). This variant is not present in population databases (gnomAD no frequency). This variant has not been reported in the literature in individuals affected with TGFBR2-related conditions. Invitae Evidence Modeling of protein sequence and biophysical properties (such as structural, functional, and spatial information, amino acid conservation, physicochemical variation, residue mobility, and thermodynamic stability) indicates that this missense variant is not expected to disrupt TGFBR2 protein function with a negative predictive value of 95%. In summary, the available evidence is currently insufficient to determine the role of this variant in disease. Therefore, it has been classified as a Variant of Uncertain Significance.